The following is an entry in ClinVar:

ClinVar aggregate classification (germline): Uncertain significance. Review status: criteria provided, multiple submitters, no conflicts (2 of 4 stars). 2 submissions from 2 submitters: Uncertain significance (2). Last evaluated 2024-07-14.

Conditions:
Inborn genetic diseases. Identifiers: MedGen C0950123, MeSH D030342.

Allele frequency attached by ClinVar (database versions not stated): gnomAD exomes below 0.00001 and 0.00001; TOPMed below 0.00001; ExAC 0.00002.
gnomAD v4.1: 7 of 1,612,298 alleles (0.00043%); highest among the groups gnomAD compares: South Asian, 0.0022%; no homozygotes.

Submissions (2):

Ambry Genetics
Classification: Uncertain significance for Inborn genetic diseases. Last evaluated: 2024-07-14. Review status: criteria provided, single submitter. Criteria: Ambry Variant Classification Scheme 2023. Collection method: clinical testing. Allele origin: germline.

Labcorp Genetics (formerly Invitae), Labcorp
Classification: Uncertain significance. Last evaluated: 2022-06-18. Review status: criteria provided, single submitter. Criteria: Invitae Variant Classification Sherloc (09022015). Collection method: clinical testing. Allele origin: germline.
Comment: In summary, the available evidence is currently insufficient to determine the role of this variant in disease. Therefore, it has been classified as a Variant of Uncertain Significance. Algorithms developed to predict the effect of missense changes on protein structure and function are either unavailable or do not agree on the potential impact of this missense change (SIFT: "Tolerated"; PolyPhen-2: "Probably Damaging"; Align-GVGD: "Class C0"). This variant has not been reported in the literature in individuals affected with EMC1-related conditions. This variant is present in population databases (rs756154938, gnomAD 0.003%). This sequence change replaces arginine, which is basic and polar, with glutamine, which is neutral and polar, at codon 801 of the EMC1 protein (p.Arg801Gln).

NM_015047.3(EMC1):c.2402G>A (p.Arg801Gln)

Genes: EMC1 (ER membrane protein complex subunit 1; minus strand), EMC1-AS1 (EMC1 antisense RNA 1; plus strand). Cytogenetic location: 1p36.13.
Variant type: single nucleotide variant.
Coding change: c.2402G>A on transcript NM_015047.3 (MANE Select); coding-DNA position 2402, G replaced by A.
Protein change: p.Arg801Gln; replaces arginine 801 with glutamine.
Molecular consequence: missense variant.
Genome position (GRCh38, 1-based): chr1:19,222,809, C>T on the plus strand (G>A on the coding strand, the complement: EMC1 is on the minus strand). VCF-style: chr1-19222809-C-T. GRCh37 (hg19) VCF-style: chr1-19549303-C-T.
Other names: c.2402G>A (NM_015047.1); c.2399G>A, p.Arg800Gln (NM_001271427.2, NM_001271428.2); c.2336G>A, p.Arg779Gln (NM_001271429.2); c.2411G>A, p.Arg804Gln (NM_001375820.1); c.2408G>A, p.Arg803Gln (NM_001375821.1); short protein forms R801Q, R800Q, R779Q, R803Q, R804Q.
Identifiers: ClinVar variation 1464463 (VCV001464463.9), dbSNP rs756154938, ClinGen allele CA652285.